The following is an entry in ClinVar:

ClinVar aggregate classification (germline): Likely pathogenic (1 of 4 stars; one submission).

Conditions:
Leber congenital amaurosis 5 (LCA5). Also called: Amaurosis congenita of Leber, type 5. Identifiers: Orphanet 65, MedGen C1858301, MONDO:0011473, OMIM 604537.

Submission:

Natera, Inc.
Classification: Likely pathogenic for Leber congenital amaurosis type 5. Last evaluated: 2024-08-29. Review status: criteria provided, single submitter. Criteria: Natera Variant Classification Schema (03/2026). Collection method: clinical testing. Allele origin: germline.
Comment: The c.1435dup variant in LCA5 is a frameshift variant predicted to shift the reading frame beginning at codon 479 and leads to a stop codon 16 codons downstream. This variant is expected to result in nonsense mediated decay, truncation, or a dysfunctional protein product. This variant is rare in the general population with a frequency below the threshold expected for the associated phenotype(s). Given the available evidence, this variant is classified as Likely Pathogenic.

NM_001122769.3(LCA5):c.1435dup (p.Gln479fs)

Gene: LCA5 (lebercilin LCA5; minus strand). Cytogenetic location: 6q14.1.
Variant type: Duplication.
Coding change: c.1435dup on transcript NM_001122769.3 (MANE Select); coding-DNA position 1435, one base duplicated (C; older notation c.1435dupC).
Protein change: p.Gln479fs; shifts the reading frame from glutamine 479.
Molecular consequence: frameshift variant.
Genome position (GRCh38, 1-based): chr6:79,487,663, G duplicated on the plus strand (C on the coding strand, the reverse complement: LCA5 is on the minus strand); the first of 2 consecutive G bases (chr6:79,487,663-79,487,664); duplicating either gives the same sequence. VCF-style (leftmost placement, unchanged base first): chr6-79487662-T-TG. GRCh37 (hg19) VCF-style: chr6-80197379-T-TG.
Other names: c.1435dup, p.Gln479fs (NM_181714.4); short protein forms Q479fs.
Identifiers: ClinVar variation 4816985 (VCV004816985.1).